The following is an entry in ClinVar:

NM_004360.5(CDH1):c.1214A>G (p.Asn405Ser)

Gene: CDH1 (cadherin 1; plus strand). Cytogenetic location: 16q22.1.
Variant type: single nucleotide variant.
Coding change: c.1214A>G on transcript NM_004360.5 (MANE Select); coding-DNA position 1214, A replaced by G.
Protein change: p.Asn405Ser; replaces asparagine 405 with serine.
Molecular consequence: missense variant. On other transcripts: 5 prime UTR variant (2), intron variant (1).
Genome position (GRCh38, 1-based): chr16:68,813,389, A>G. VCF-style: chr16-68813389-A-G. GRCh37 (hg19) VCF-style: chr16-68847292-A-G.
Other names: p.N405S:AAT>AGT; c.1214A>G (LRG_301t1); c.-402A>G (NM_001317185.2); c.-606A>G (NM_001317186.2); c.1137+1126A>G (NM_001317184.2); short protein forms N405S.
Identifiers: ClinVar variation 133854 (VCV000133854.49), dbSNP rs587778175, ClinGen allele CA157983.

ClinVar aggregate classification (germline): Conflicting classifications of pathogenicity. Review status: criteria provided, conflicting classifications (1 of 4 stars). 11 submissions from 11 submitters: Uncertain significance (8); Likely benign (2). 1 of the submissions does not count toward it. Last evaluated 2025-12-20.

Conditions:
CDH1-related diffuse gastric and lobular breast cancer syndrome. Also called: CDH1-related diffuse gastric and lobular breast cancer. Identifiers: MedGen CN311521, MONDO:0100488.
Hereditary cancer-predisposing syndrome. Also called: Tumor predisposition; Hereditary neoplastic syndrome; Neoplastic Syndromes, Hereditary; Hereditary Cancer Syndrome. Identifiers: Orphanet 140162, MedGen C0027672, MeSH D009386, MONDO:0015356.
Hereditary breast ovarian cancer syndrome. Also called: Hereditary breast and ovarian cancer syndrome; Hereditary breast and ovarian cancer; Hereditary breast and ovarian cancer syndrome (HBOC); Breast and ovarian cancer; BRCA1- and BRCA2-Associated Hereditary Breast and Ovarian Cancer; Hereditary breast and/or ovarian cancer syndrome. Identifiers: Orphanet 145, MedGen C0677776, MeSH D061325, MONDO:0003582. Disease mechanism: loss of function.
Hereditary diffuse gastric adenocarcinoma (HDGC). Also called: DIFFUSE GASTRIC AND LOBULAR BREAST CANCER SYNDROME. Identifiers: Orphanet 26106, MedGen C1708349, MONDO:0007648, OMIM 137215.

Allele frequency attached by ClinVar (database versions not stated): gnomAD 0.00001; TOPMed 0.00001; ExAC 0.00003; gnomAD exomes 0.00003 and 0.00005.
gnomAD v4.1: 77 of 1,613,980 alleles (0.0048%); highest among the groups gnomAD compares: Non-Finnish European, 0.0058%; no homozygotes.

Submissions (11):

Labcorp Genetics (formerly Invitae), Labcorp
Classification: Likely benign for Hereditary diffuse gastric adenocarcinoma. Last evaluated: 2025-12-20. Review status: criteria provided, single submitter. Criteria: Invitae Variant Classification Sherloc (09022015). Collection method: clinical testing. Allele origin: germline.

Quest Diagnostics Nichols Institute San Juan Capistrano
Classification: Uncertain significance. Last evaluated: 2025-10-20. Review status: criteria provided, single submitter. Criteria: Quest Diagnostics criteria. Collection method: clinical testing. Allele origin: unknown.
Comment: The CDH1 c.1214A>G (p.Asn405Ser) variant has been reported in the published literature in individuals with colorectal cancer (PMID: 28135145 (2017)), and breast cancer (PMID: 33471991 (2021), see also LOVD). It also been identified in reportedly unaffected individuals (PMID: 24728327 (2014), 29589180 (2019), 33471991 (2021), see also LOVD). The frequency of this variant in the general population (Genome Aggregation Database) is uninformative in the assessment of its pathogenicity. Analysis of this variant using bioinformatics tools for the prediction of the effect of amino acid changes on protein structure and function yielded predictions that this variant is benign. Based on the available information, we are unable to determine the clinical significance of this variant.

German Consortium for Hereditary Breast and Ovarian Cancer, University Hospital Cologne
Classification: Uncertain significance for Hereditary breast ovarian cancer syndrome. Last evaluated: 2025-09-09. Review status: criteria provided, single submitter. Criteria: ACMG Guidelines, 2015. Collection method: curation. Allele origin: germline.
Comment: No criterium applicable; This classification follows the ACMG SVI adaptation classification scheme

Molecular Pathology, Peter Maccallum Cancer Centre
Classification: Uncertain significance for Hereditary diffuse gastric adenocarcinoma. Last evaluated: 2025-03-06. Review status: criteria provided, single submitter. Criteria: ACMG Guidelines, 2015. Collection method: clinical testing. Allele origin: germline. Inheritance: Autosomal dominant inheritance.

Color Diagnostics, LLC DBA Color Health
Classification: Uncertain significance for Hereditary cancer-predisposing syndrome. Last evaluated: 2025-01-06. Review status: criteria provided, single submitter. Criteria: ACMG Guidelines, 2015. Collection method: clinical testing. Allele origin: germline.
Comment: This missense variant replaces asparagine with serine at codon 405 of the CDH1 protein. To our knowledge, functional studies have not been reported for this variant. This variant has been reported in an individual affected with colorectal cancer (PMID: 28135145) and in healthy control individuals (PMID: 24728327, 29589180). This variant has been identified in 77/1613980 chromosomes in the general population by the Genome Aggregation Database (gnomAD). The available evidence is insufficient to determine the role of this variant in disease conclusively. Therefore, this variant is classified as a Variant of Uncertain Significance.

Ambry Genetics
Classification: Likely benign for Hereditary cancer-predisposing syndrome. Last evaluated: 2021-11-18. Review status: criteria provided, single submitter. Criteria: Ambry Variant Classification Scheme 2023. Collection method: clinical testing. Allele origin: germline.

Institute for Clinical Genetics, University Hospital TU Dresden, University Hospital TU Dresden
Classification: Uncertain significance. Last evaluated: 2021-11-03. Review status: criteria provided, single submitter. Criteria: ACMG Guidelines, 2015. Collection method: clinical testing. Allele origin: germline.

Department of Pathology and Laboratory Medicine, Sinai Health System
Classification: Uncertain significance for CDH1-related diffuse gastric and lobular breast cancer syndrome. Last evaluated: 2021-07-30. Review status: criteria provided, single submitter. Criteria: ACMG Guidelines, 2015. Collection method: research. Allele origin: germline.

GeneDx
Classification: Uncertain significance. Last evaluated: 2020-09-22. Review status: criteria provided, single submitter. Criteria: GeneDx Variant Classification Process June 2021. Collection method: clinical testing. Allele origin: germline. Affected: yes.
Comment: Not observed at a significant frequency in large population cohorts (Lek 2016); In silico analysis, which includes protein predictors and evolutionary conservation, supports that this variant does not alter protein structure/function; Has not been observed in individuals with CDH1-related cancers (Bodian 2014, Yurgelun 2017, Hakkaart 2018); This variant is associated with the following publications: (PMID: 28135145, 24728327, 25428177, 29589180)

Women's Health and Genetics/Laboratory Corporation of America, LabCorp
Classification: Uncertain significance. Last evaluated: 2018-03-12. Review status: criteria provided, single submitter. Criteria: LabCorp Variant Classification Summary - May 2015. Collection method: clinical testing. Allele origin: germline.
Comment: Variant summary: CDH1 c.1214A>G (p.Asn405Ser) results in a conservative amino acid change located in the 3rd Cadherin domain of the encoded protein sequence. Five of five in-silico tools predict a benign effect of the variant on protein function. The variant allele was found at a frequency of 3.2e-05 in 247626 control chromosomes. The observed variant frequency is approximately 1.14 fold above the estimated maximal expected allele frequency for a pathogenic variant in CDH1 causing Hereditary Diffuse Gastric Cancer phenotype (2.8e-05), suggesting the variant may be benign. The c.1214A>G variant has been reported in the literature in individuals affected with Hereditary Diffuse Gastric Cancer, however these reports do not provide unequivocal conclusions about an association of the variant with Hereditary Diffuse Gastric Cancer. To our knowledge, no experimental evidence demonstrating an impact on protein function has been reported. Four clinical diagnostic laboratories have submitted clinical-significance assessments for this variant to ClinVar after 2014 without evidence for independent evaluation, and all laboratories classified the variant as uncertain significance. Based on the evidence outlined above, the variant was classified as VUS-possibly benign.

ITMI
No classification provided. Condition: AllHighlyPenetrant. Last evaluated: 2013-09-19. Review status: no classification provided. Collection method: reference population. Allele origin: germline. Not counted in ClinVar's aggregate classification.
Comment: Please see associated publication for description of ethnicities

Literature cited by the submitters: PubMed 25275298 (cited by Quest Diagnostics Nichols Institute San Juan Capistrano and Women's Health and Genetics/Laboratory Corporation of America, LabCorp); PubMed 22911296 (cited by Quest Diagnostics Nichols Institute San Juan Capistrano and Women's Health and Genetics/Laboratory Corporation of America, LabCorp); PubMed 33471991 (cited by Quest Diagnostics Nichols Institute San Juan Capistrano); PubMed 28135145 (cited by 3 submitters); PubMed 29589180 (cited by 3 submitters); PubMed 24728327 (cited by 5 submitters).